The following is an entry in ClinVar:

ClinVar aggregate classification (germline): Benign. Review status: criteria provided, multiple submitters, no conflicts (2 of 4 stars). 13 submissions from 12 submitters: Benign (10). 3 of the submissions do not count toward it. Last evaluated 2026-02-04.

Conditions:
Infantile-onset ascending hereditary spastic paralysis (IAHSP). Also called: Infantile-Onset Ascending Hereditary Spastic Paralysis (IAHSP); Autosomal Recessive Juvenile Amyotrophic Lateral Sclerosis. Identifiers: Orphanet 293168, MedGen C2931441, MONDO:0011797, OMIM 607225. Disease mechanism: loss of function.
ALS2-related disorder. Also called: ALS2-Related Spectrum Disorders; ALS2-related condition; ALS2-related disorders. Identifiers: MedGen CN169291.
Amyotrophic lateral sclerosis type 2, juvenile. Also called: ALS, JUVENILE; Amyotrophic lateral sclerosis type 2. Identifiers: Orphanet 300605, MedGen C1859807, MONDO:0008780, OMIM 205100.
Hereditary spastic paraplegia. Also called: Familial spastic paraparesis. Identifiers: Orphanet 685, MedGen C0037773, MONDO:0019064. Disease mechanism: loss of function.

Allele frequency attached by ClinVar (database versions not stated): 1000 Genomes Project 0.02236; 1000 Genomes Project 30x 0.02327; ExAC 0.02492; gnomAD exomes 0.02506 and 0.02841; TOPMed 0.03302; gnomAD 0.03346 and 0.03476; ESP Exome Variant Server 0.03352.
gnomAD v4.1: 46,579 of 1,613,992 alleles (2.9%); highest among the groups gnomAD compares: African/African-American, 5.1%; 740 homozygotes.

Submissions (13):

Labcorp Genetics (formerly Invitae), Labcorp
Classification: Benign for Infantile-onset ascending hereditary spastic paralysis. Last evaluated: 2026-02-04. Review status: criteria provided, single submitter. Criteria: Invitae Variant Classification Sherloc (09022015). Collection method: clinical testing. Allele origin: germline.

Athena Diagnostics
Classification: Benign. Last evaluated: 2023-12-13. Review status: criteria provided, single submitter. Criteria: Athena Diagnostics Criteria. Collection method: clinical testing. Allele origin: unknown.

ARUP Laboratories, Molecular Genetics and Genomics, ARUP Laboratories
Classification: Benign. Last evaluated: 2023-11-22. Review status: criteria provided, single submitter. Criteria: ARUP Molecular Germline Variant Investigation Process 2024. Collection method: clinical testing. Allele origin: germline.

Mayo Clinic Laboratories, Mayo Clinic
Classification: Benign. Last evaluated: 2022-06-30. Review status: criteria provided, single submitter. Criteria: ACMG Guidelines, 2015. Collection method: clinical testing. Allele origin: germline. Observed: 70 variant alleles.
Comment: BA1, BP4

Genome Diagnostics Laboratory, The Hospital for Sick Children
Classification: Benign for Hereditary spastic paraplegia. Last evaluated: 2021-11-23. Review status: criteria provided, single submitter. Criteria: ACMG Guidelines, 2015. Collection method: clinical testing. Allele origin: germline. Affected: yes.

GeneDx
Classification: Benign. Last evaluated: 2018-08-17. Review status: criteria provided, single submitter. Criteria: GeneDx Variant Classification Process June 2021. Collection method: clinical testing. Allele origin: germline. Affected: yes.
Comment: This variant is associated with the following publications: (PMID: 28430856, 18810511, 14676054, 25588603)

Illumina Laboratory Services, Illumina
Classification: Benign for ALS2-Related Disorders. Last evaluated: 2018-01-13. Review status: criteria provided, single submitter. Criteria: ICSL Variant Classification Criteria 13 December 2019. Collection method: clinical testing. Allele origin: germline.
Comment: This variant was observed in the ICSL laboratory as part of a predisposition screen in an ostensibly healthy population. It had not been previously curated by ICSL or reported in the Human Gene Mutation Database (HGMD: prior to June 1st, 2018), and was therefore a candidate for classification through an automated scoring system. Utilizing variant allele frequency, disease prevalence and penetrance estimates, and inheritance mode, an automated score was calculated to assess if this variant is too frequent to cause the disease. Based on the score and internal cut-off values, a variant classified as benign is not then subjected to further curation. The score for this variant resulted in a classification of benign for this disease.

Illumina Laboratory Services, Illumina
Classification: Benign for Amyotrophic lateral sclerosis type 2. Last evaluated: 2018-01-13. Review status: criteria provided, single submitter. Criteria: ICSL Variant Classification Criteria 13 December 2019. Collection method: clinical testing. Allele origin: germline.
Comment: the same text as in the submission from Illumina Laboratory Services, Illumina above.

Breakthrough Genomics
Classification: Benign. Review status: criteria provided, single submitter. Criteria: ACMG Guidelines, 2015. Collection method: not provided. Allele origin: germline. Inheritance: Autosomal recessive inheritance. Affected: yes.

PreventionGenetics, part of Exact Sciences
Classification: Benign. Review status: criteria provided, single submitter. Criteria: ACMG Guidelines, 2015. Collection method: clinical testing. Allele origin: germline.

Clinical Genetics DNA and cytogenetics Diagnostics Lab, Erasmus MC, Erasmus Medical Center
Classification: Benign. Review status: no assertion criteria provided. Collection method: clinical testing. Allele origin: germline. Affected: yes. Study: VKGL Data-share Consensus. Not counted in ClinVar's aggregate classification.

Genome Diagnostics Laboratory, Amsterdam University Medical Center
Classification: Benign. Review status: no assertion criteria provided. Collection method: clinical testing. Allele origin: germline. Affected: yes. Study: VKGL Data-share Consensus. Not counted in ClinVar's aggregate classification.

Genome Diagnostics Laboratory, University Medical Center Utrecht
Classification: Benign. Review status: no assertion criteria provided. Collection method: clinical testing. Allele origin: germline. Affected: yes. Study: VKGL Data-share Consensus. Not counted in ClinVar's aggregate classification.

NM_020919.4(ALS2):c.280A>G (p.Ile94Val)

Gene: ALS2 (alsin Rho guanine nucleotide exchange factor ALS2; minus strand). Cytogenetic location: 2q33.1.
Variant type: single nucleotide variant.
Coding change: c.280A>G on transcript NM_020919.4 (MANE Select); coding-DNA position 280, A replaced by G.
Protein change: p.Ile94Val; replaces isoleucine 94 with valine.
Molecular consequence: missense variant.
Genome position (GRCh38, 1-based): chr2:201,761,714, T>C on the plus strand (A>G on the coding strand, the complement: ALS2 is on the minus strand). VCF-style: chr2-201761714-T-C. GRCh37 (hg19) VCF-style: chr2-202626437-T-C.
Other names: c.280A>G, p.Ile94Val (NM_001135745.2); short protein forms I94V.
Identifiers: ClinVar variation 261370 (VCV000261370.37), dbSNP rs3219154, ClinGen allele CA2058676.